The following is an entry in ClinVar:

ClinVar aggregate classification (germline): Conflicting classifications of pathogenicity. Review status: criteria provided, conflicting classifications (1 of 4 stars). 13 submissions from 8 submitters: Uncertain significance (1); Benign (5); Likely benign (5). 2 of the submissions do not count toward it. Last evaluated 2026-02-02.

Conditions:
Multiple endocrine neoplasia type 2B. Also called: WAGENMANN-FROBOESE SYNDROME; MULTIPLE ENDOCRINE NEOPLASIA, TYPE III; MULTIPLE ENDOCRINE NEOPLASIA, TYPE IIB; MEN IIB; NEUROMATA, MUCOSAL, WITH ENDOCRINE TUMORS; MEN 2B. Identifiers: Orphanet 247709, Orphanet 653, MedGen C0025269, MeSH D018814, MONDO:0008082, OMIM 162300.
Pheochromocytoma. Also called: MAX-Related Hereditary Paraganglioma-Pheochromocytoma Syndrome. Identifiers: Orphanet 29072, MedGen C0031511, MONDO:0008233, OMIM 171300, HP:0002666.
Hirschsprung disease, susceptibility to, 1 (HSCR1). Also called: RET-Related Hirschsprung Disease. Identifiers: Orphanet 388, MedGen C3888239, MONDO:0007723, OMIM 142623.
Multiple endocrine neoplasia type 2A. Also called: Multiple Endocrine Neoplasia Type 2A (MEN2A); MULTIPLE ENDOCRINE NEOPLASIA, TYPE IIA; PTC SYNDROME; SIPPLE SYNDROME; MEN 2A; MEN-2A syndrome. Identifiers: Orphanet 247698, Orphanet 653, MedGen C0025268, MeSH D018813, MONDO:0008234, OMIM 171400.
Multiple endocrine neoplasia. Identifiers: Orphanet 276161, MedGen C0027662, MONDO:0017169.
Multiple endocrine neoplasia, type 2 (MEN2). Identifiers: Orphanet 653, MedGen C4048306, MONDO:0019003. Disease mechanism: gain of function.
Renal hypodysplasia/aplasia 1 (RHDA1). Also called: RENAL APLASIA; HEREDITARY RENAL APLASIA. Identifiers: Orphanet 411709, MedGen C1619700, MONDO:0024519, OMIM 191830.

Allele frequency attached by ClinVar (database versions not stated): TOPMed 0.00006; 1000 Genomes Project 30x 0.00094; 1000 Genomes Project 0.00140.
gnomAD v4.1: 42 of 1,585,968 alleles (0.0026%); highest among the groups gnomAD compares: African/African-American, 0.044%; no homozygotes.

Submissions (13):

Labcorp Genetics (formerly Invitae), Labcorp
Classification: Likely benign for Multiple endocrine neoplasia, type 2. Last evaluated: 2026-02-02. Review status: criteria provided, single submitter. Criteria: Invitae Variant Classification Sherloc (09022015). Collection method: clinical testing. Allele origin: germline.

KCCC/NGS Laboratory, Kuwait Cancer Control Center
Classification: Benign for Pheochromocytoma. Last evaluated: 2025-02-01. Review status: criteria provided, single submitter. Criteria: ACMG Guidelines, 2015. Collection method: clinical testing. Allele origin: germline. Affected: no.

Myriad Genetics, Inc.
Classification: Benign for Multiple endocrine neoplasia type 2A. Last evaluated: 2024-09-04. Review status: criteria provided, single submitter. Criteria: Myriad Autosomal Dominant, Autosomal Recessive and X-Linked Classification Criteria (2023). Collection method: clinical testing. Allele origin: unknown.
Comment: This variant is considered benign. This variant is intronic and is not expected to impact mRNA splicing. This variant has been observed at a population frequency that is significantly greater than expected given the associated disease prevalence and penetrance.

All of Us Research Program, National Institutes of Health
Classification: Likely benign for Multiple endocrine neoplasia, type 2. Last evaluated: 2024-07-29. Review status: criteria provided, single submitter. Criteria: ACMG Guidelines, 2015. Collection method: clinical testing. Allele origin: germline. Inheritance: Autosomal dominant inheritance. Observed: 6 variant alleles, 6 heterozygotes.
Comment: This study involves interpretation of variants in research participants for the purpose of population health screening. Participant phenotype was not available at the time of variant classification. Additional details can be found in publication PMID: 35346344, PMCID: PMC8962531

KCCC/NGS Laboratory, Kuwait Cancer Control Center
Classification: Benign for Multiple endocrine neoplasia type 2B. Last evaluated: 2023-07-07. Review status: criteria provided, single submitter. Criteria: ACMG Guidelines, 2015. Collection method: clinical testing. Allele origin: germline. Affected: yes.

Color Diagnostics, LLC DBA Color Health
Classification: Likely benign for Multiple endocrine neoplasia, type 2. Last evaluated: 2023-05-16. Review status: criteria provided, single submitter. Criteria: ACMG Guidelines, 2015. Collection method: clinical testing. Allele origin: germline.

ARUP Laboratories, Molecular Genetics and Genomics, ARUP Laboratories
Classification: Likely benign. Last evaluated: 2019-04-11. Review status: criteria provided, single submitter. Criteria: ARUP Molecular Germline Variant Investigation Process. Collection method: clinical testing. Allele origin: germline.

Illumina Laboratory Services, Illumina
Classification: Benign for Pheochromocytoma. Last evaluated: 2018-01-12. Review status: criteria provided, single submitter. Criteria: ICSL Variant Classification Criteria 13 December 2019. Collection method: clinical testing. Allele origin: germline.
Comment: This variant was observed in the ICSL laboratory as part of a predisposition screen in an ostensibly healthy population. It had not been previously curated by ICSL or reported in the Human Gene Mutation Database (HGMD: prior to June 1st, 2018), and was therefore a candidate for classification through an automated scoring system. Utilizing variant allele frequency, disease prevalence and penetrance estimates, and inheritance mode, an automated score was calculated to assess if this variant is too frequent to cause the disease. Based on the score and internal cut-off values, a variant classified as benign is not then subjected to further curation. The score for this variant resulted in a classification of benign for this disease.

Illumina Laboratory Services, Illumina
Classification: Uncertain significance for Renal hypodysplasia/aplasia 1. Last evaluated: 2018-01-12. Review status: criteria provided, single submitter. Criteria: ICSL Variant Classification Criteria 13 December 2019. Collection method: clinical testing. Allele origin: germline.

Illumina Laboratory Services, Illumina
Classification: Likely benign for Hirschsprung disease, susceptibility to, 1. Last evaluated: 2018-01-12. Review status: criteria provided, single submitter. Criteria: ICSL Variant Classification Criteria 13 December 2019. Collection method: clinical testing. Allele origin: germline.
Comment: This variant was observed in the ICSL laboratory as part of a predisposition screen in an ostensibly healthy population. It had not been previously curated by ICSL or reported in the Human Gene Mutation Database (HGMD: prior to June 1st, 2018), and was therefore a candidate for classification through an automated scoring system. Utilizing variant allele frequency, disease prevalence and penetrance estimates, and inheritance mode, an automated score was calculated to assess if this variant is too frequent to cause the disease. Based on the score and internal cut-off values, a variant classified as likely benign is not then subjected to further curation. The score for this variant resulted in a classification of likely benign for this disease.

Illumina Laboratory Services, Illumina
Classification: Benign for Multiple endocrine neoplasia. Last evaluated: 2018-01-12. Review status: criteria provided, single submitter. Criteria: ICSL Variant Classification Criteria 13 December 2019. Collection method: clinical testing. Allele origin: germline.
Comment: the same text as in the submission from Illumina Laboratory Services, Illumina above.

Counsyl
Classification: Benign for Multiple endocrine neoplasia type 2B. Last evaluated: 2016-05-03. Review status: no assertion criteria provided. Collection method: clinical testing. Allele origin: unknown. Not counted in ClinVar's aggregate classification.

Counsyl
Classification: Benign for Multiple endocrine neoplasia type 2A. Last evaluated: 2016-05-03. Review status: no assertion criteria provided. Collection method: clinical testing. Allele origin: unknown. Not counted in ClinVar's aggregate classification.

NM_020975.6(RET):c.2393-14C>T

Gene: RET (ret proto-oncogene; plus strand). Cytogenetic location: 10q11.21.
Variant type: single nucleotide variant.
Coding change: c.2393-14C>T on transcript NM_020975.6 (MANE Select); 14 bases into the intron before coding-DNA position 2393, C replaced by T.
Molecular consequence: intron variant.
Genome position (GRCh38, 1-based): chr10:43,119,517, C>T. VCF-style: chr10-43119517-C-T. GRCh37 (hg19) VCF-style: chr10-43614965-C-T.
Other names: c.2393-14C>T (NM_020630.7, NM_001406743.1, NM_001406744.1 and 2 more transcripts); c.2258-14C>T (NM_001406765.1, NM_001406763.1); c.1997-14C>T (NM_001406772.1, NM_001406769.1); c.1955-14C>T (NM_001406773.1, NM_001406771.1); c.1496-14C>T (NM_001406782.1, NM_001406780.1, NM_001406779.1 and 1 more transcripts); c.1361-14C>T (NM_001406787.1); c.1376-14C>T (NM_001406785.1); c.2264-14C>T (NM_001406764.1, NM_001406762.1, NM_001406761.1); and 10 more.
Identifiers: ClinVar variation 372082 (VCV000372082.27), dbSNP rs144269978, ClinGen allele CA038910.
Genomic context (GRCh38, chr10:43,119,517, plus strand): 5'-CCTCCCACCCCTGGCTCCTGGAAGACCCAAGCTGCCTGACCCGCACGCCCAGGGCCCCCT[C>T]TCTCCGCCCCCAGGCCCGCTCCTCCTCATCGTGGAGTACGCCAAATACGGCTCCCTGCGG-3'